The following is an entry in ClinVar:

ClinVar aggregate classification (germline): Pathogenic (1 of 4 stars; one submission).

Submission:

Labcorp Genetics (formerly Invitae), Labcorp
Classification: Pathogenic. Last evaluated: 2022-11-13. Review status: criteria provided, single submitter. Criteria: Invitae Variant Classification Sherloc (09022015). Collection method: clinical testing. Allele origin: germline.
Comment: This sequence change creates a premature translational stop signal (p.Trp873*) in the SLC12A6 gene. It is expected to result in an absent or disrupted protein product. Loss-of-function variants in SLC12A6 are known to be pathogenic (PMID: 12368912, 16606917). This variant is not present in population databases (gnomAD no frequency). This variant has not been reported in the literature in individuals affected with SLC12A6-related conditions. ClinVar contains an entry for this variant (Variation ID: 1457409). For these reasons, this variant has been classified as Pathogenic.

Literature cited by the submitters: PubMed 12368912; PubMed 16606917.

NM_001365088.1(SLC12A6):c.2618G>A (p.Trp873Ter)

Genes: SLC12A6 (solute carrier family 12 member 6; minus strand), LOC126862097 (P300/CBP strongly-dependent group 1 enhancer GRCh37_chr15:34531007-34532206; plus strand). Cytogenetic location: 15q14.
Variant type: single nucleotide variant.
Coding change: c.2618G>A on transcript NM_001365088.1 (MANE Select); coding-DNA position 2618, G replaced by A.
Protein change: p.Trp873Ter; replaces tryptophan 873 with a stop codon.
Molecular consequence: nonsense.
Genome position (GRCh38, 1-based): chr15:34,238,979, C>T on the plus strand (G>A on the coding strand, the complement: SLC12A6 is on the minus strand). VCF-style: chr15-34238979-C-T. GRCh37 (hg19) VCF-style: chr15-34531180-C-T.
Other names: c.2441G>A, p.Trp814Ter (NM_001042494.2, NM_001042495.2); c.2591G>A, p.Trp864Ter (NM_001042496.2); c.2573G>A, p.Trp858Ter (NM_001042497.2); c.2465G>A, p.Trp822Ter (NM_005135.2); c.2618G>A, p.Trp873Ter (NM_133647.2); short protein forms W864*, W822*, W873*, W814*, W858*.
Identifiers: ClinVar variation 1457409 (VCV001457409.6), dbSNP rs2140653469, ClinGen allele CA391619120.
Genomic context (GRCh38, chr15:34,238,979, plus strand): 5'-TACCCTCGACTTGGGCCTTTAGGTTTGTATGAGAAATGGTTAGTACCAATAAAAGTCTTC[C>T]AAGCGCGGGCATCTTCGCTTTGACGCCAGCCATTAGGCCAGCCCATCACCACCGTGTTGT-3'